The following is an entry in ClinVar:

NM_003562.5(SLC25A11):c.269G>A (p.Arg90His)

Gene: SLC25A11 (solute carrier family 25 member 11; minus strand). Cytogenetic location: 17p13.2.
Variant type: single nucleotide variant.
Coding change: c.269G>A on transcript NM_003562.5 (MANE Select); coding-DNA position 269, G replaced by A.
Protein change: p.Arg90His; replaces arginine 90 with histidine.
Molecular consequence: missense variant.
Genome position (GRCh38, 1-based): chr17:4,938,955, C>T on the plus strand (G>A on the coding strand, the complement: SLC25A11 is on the minus strand). VCF-style: chr17-4938955-C-T. GRCh37 (hg19) VCF-style: chr17-4842250-C-T.
Other names: c.236G>A, p.Arg79His (NM_001165417.2); c.116G>A, p.Arg39His (NM_001165418.2); short protein forms R39H, R90H, R79H.
Identifiers: ClinVar variation 4752115 (VCV004752115.1).
Genomic context (GRCh38, chr17:4,938,955, plus strand): 5'-GTCAGGCGCTCAAACAGCACGGTATAGATGCCAAGGCGGGTAGTGGTGTAGGTGGCCTGA[C>T]GCAGCAGGCCAGCCGACAGCCTGAGGAGCAGAGGGGTCAGCATATCAGGCCAAGGTCTAG-3'
Protein context (NP_003553.2, residues 80-100): IYTGLSAGLL[Arg90His]QATYTTTRLG

ClinVar aggregate classification (germline): Uncertain significance (1 of 4 stars; one submission).

Submission:

Labcorp Genetics (formerly Invitae), Labcorp
Classification: Uncertain significance. Last evaluated: 2025-11-11. Review status: criteria provided, single submitter. Criteria: Invitae Variant Classification Sherloc (09022015). Collection method: clinical testing. Allele origin: germline.
Comment: This sequence change replaces arginine, which is basic and polar, with histidine, which is basic and polar, at codon 90 of the SLC25A11 protein (p.Arg90His). This variant is not present in population databases (gnomAD no frequency). This variant has not been reported in the literature in individuals affected with SLC25A11-related conditions. Invitae Evidence Modeling of protein sequence and biophysical properties (such as structural, functional, and spatial information, amino acid conservation, physicochemical variation, residue mobility, and thermodynamic stability) indicates that this missense variant is expected to disrupt SLC25A11 protein function with a positive predictive value of 80%. In summary, the available evidence is currently insufficient to determine the role of this variant in disease. Therefore, it has been classified as a Variant of Uncertain Significance.